The following is an entry in ClinVar:

NM_000518.5(HBB):c.316-96G>C

Genes: HBB (hemoglobin subunit beta; minus strand), LOC107133510 (origin of replication at HBB; plus strand), LOC110006319 (beta-globin gene 3' regulatory region; plus strand). Cytogenetic location: 11p15.4.
Variant type: single nucleotide variant.
Coding change: c.316-96G>C on transcript NM_000518.5 (MANE Select); 96 bases into the intron before coding-DNA position 316, G replaced by C.
Molecular consequence: intron variant.
Genome position (GRCh38, 1-based): chr11:5,225,822, C>G on the plus strand (G>C on the coding strand, the complement: HBB is on the minus strand). VCF-style: chr11-5225822-C-G. GRCh37 (hg19) VCF-style: chr11-5247052-C-G.
Identifiers: ClinVar variation 36321 (VCV000036321.20), dbSNP rs193922561, ClinGen allele CA342865.
Genomic context (GRCh38, chr11:5,225,822, plus strand): 5'-GCAAAAGGGCCTAGCTTGGACTCAGAATAATCCAGCCTTATCCCAACCATAAAATAAAAG[C>G]AGAATGGTAGCTGGATTGTAGCTGCTATTAGCAATATGAAACCTCTTACATCAGTTACAA-3'

ClinVar aggregate classification (germline): Conflicting classifications of pathogenicity. Review status: criteria provided, conflicting classifications (1 of 4 stars). 3 submissions from 3 submitters: Uncertain significance (1); Likely benign (2). Last evaluated 2026-02-04.

Allele frequency attached by ClinVar (database versions not stated): 1000 Genomes Project 30x 0.00016; gnomAD 0.00039; TOPMed 0.00040; gnomAD exomes 0.00056.
gnomAD v4.1: 686 of 1,291,074 alleles (0.053%); highest among the groups gnomAD compares: Non-Finnish European, 0.074%; no homozygotes.

Submissions (3):

Labcorp Genetics (formerly Invitae), Labcorp
Classification: Likely benign. Last evaluated: 2026-02-04. Review status: criteria provided, single submitter. Criteria: Invitae Variant Classification Sherloc (09022015). Collection method: clinical testing. Allele origin: germline.

Women's Health and Genetics/Laboratory Corporation of America, LabCorp
Classification: Likely benign. Last evaluated: 2025-01-08. Review status: criteria provided, single submitter. Criteria: LabCorp Variant Classification Summary - May 2015. Collection method: clinical testing. Allele origin: germline.
Comment: Variant summary: HBB c.316-96G>C is located at a position not widely known to affect splicing. Consensus agreement among computation tools predict no significant impact on normal splicing (Trap). However, these predictions have yet to be confirmed by functional studies. The variant allele was found at a frequency of 0.00053 in 1291074 control chromosomes in the gnomAD database. The available data on variant occurrences in the general population are insufficient to allow any conclusion about variant significance. To our knowledge, no occurrence of c.316-96G>C in individuals affected with Hemoglobinopathy and no experimental evidence demonstrating its impact on protein function have been reported. ClinVar contains an entry for this variant (Variation ID: 36321). Based on the evidence outlined above, the variant was classified as likely benign.

Quest Diagnostics Nichols Institute San Juan Capistrano
Classification: Uncertain significance. Last evaluated: 2023-08-21. Review status: criteria provided, single submitter. Criteria: Quest Diagnostics criteria. Collection method: clinical testing. Allele origin: unknown.
Comment: The HBB c.316-96G>C variant, to the best of our knowledge, has not been reported in the published literature. The frequency of this variant in the general population, 0.00045 (7/15430 chromosomes (Genome Aggregation Database)), is uninformative in the assessment of its pathogenicity. Analysis of this variant using software algorithms for the prediction of the effect of nucleotide changes on splicing yielded predictions that this variant does not affect HBB mRNA splicing . Based on the available information, we are unable to determine the clinical significance of this variant.